The following is an entry in ClinVar:

NM_001015038.3(PAGE2B):c.176G>A (p.Gly59Glu)

Gene: PAGE2B (PAGE family member 2B; plus strand). Cytogenetic location: Xp11.21.
Variant type: single nucleotide variant.
Coding change: c.176G>A on transcript NM_001015038.3 (MANE Select); coding-DNA position 176, G replaced by A.
Protein change: p.Gly59Glu; replaces glycine 59 with glutamic acid.
Molecular consequence: missense variant.
Genome position (GRCh38, 1-based): chrX:55,076,660, G>A. VCF-style: chrX-55076660-G-A. GRCh37 (hg19) VCF-style: chrX-55103093-G-A.
Other names: short protein forms G59E.
Identifiers: ClinVar variation 4564041 (VCV004564041.1).

ClinVar aggregate classification (germline): Uncertain significance (1 of 4 stars; one submission).

Submission:

Ambry Genetics
Classification: Uncertain significance. Last evaluated: 2025-11-12. Review status: criteria provided, single submitter. Criteria: Ambry Variant Classification Scheme 2023. Collection method: clinical testing. Allele origin: germline.
Comment: The c.176G>A (p.G59E) alteration is located in exon 3 (coding exon 2) of the PAGE2B gene. This alteration results from a G to A substitution at nucleotide position 176, causing the glycine (G) at amino acid position 59 to be replaced by a glutamic acid (E). Based on data from gnomAD, the A allele has an overall frequency of 0.005% (1/21518) total alleles studied. The highest observed frequency was 0.009% (1/10704) of European (non-Finnish) alleles. Based on insufficient or conflicting evidence, the clinical significance of this alteration remains unclear.